The following is an entry in ClinVar:

NM_000316.3(PTH1R):c.1168C>T (p.Arg390Trp)

Gene: PTH1R (parathyroid hormone 1 receptor; plus strand). Cytogenetic location: 3p21.31.
Variant type: single nucleotide variant.
Coding change: c.1168C>T on transcript NM_000316.3 (MANE Select); coding-DNA position 1168, C replaced by T.
Protein change: p.Arg390Trp; replaces arginine 390 with tryptophan.
Molecular consequence: missense variant.
Genome position (GRCh38, 1-based): chr3:46,901,817, C>T. VCF-style: chr3-46901817-C-T. GRCh37 (hg19) VCF-style: chr3-46943307-C-T.
Other names: c.1168C>T, p.Arg390Trp (NM_001184744.1); short protein forms R390W.
Identifiers: ClinVar variation 2887562 (VCV002887562.3), dbSNP rs199627585, ClinGen allele CA2359427.
Genomic context (GRCh38, chr3:46,901,817, plus strand): 5'-CTCCCACAGCTCAACTTCATCCTCTTCATCAATATCGTCCGGGTGCTCGCCACCAAGCTG[C>T]GGGAGACCAACGCCGGCCGGTGTGACACACGGCAGCAGTACCGGTGAGCCCACCATGCCT-3'
Protein context (NP_000307.1, residues 380-400): NIVRVLATKL[Arg390Trp]ETNAGRCDTR

ClinVar aggregate classification (germline): Uncertain significance (1 of 4 stars; one submission).

Allele frequency attached by ClinVar (database versions not stated): gnomAD 0.00001; ExAC 0.00002; gnomAD exomes 0.00002.
gnomAD v4.1: 31 of 1,613,958 alleles (0.0019%); highest among the groups gnomAD compares: South Asian, 0.0088%; no homozygotes.

Submission:

Labcorp Genetics (formerly Invitae), Labcorp
Classification: Uncertain significance. Last evaluated: 2024-09-09. Review status: criteria provided, single submitter. Criteria: Invitae Variant Classification Sherloc (09022015). Collection method: clinical testing. Allele origin: germline.
Comment: This sequence change replaces arginine, which is basic and polar, with tryptophan, which is neutral and slightly polar, at codon 390 of the PTH1R protein (p.Arg390Trp). This variant is present in population databases (rs199627585, gnomAD 0.006%). This missense change has been observed in individual(s) with clinical features of PTH1R-related conditions (PMID: 33536578). Invitae Evidence Modeling of protein sequence and biophysical properties (such as structural, functional, and spatial information, amino acid conservation, physicochemical variation, residue mobility, and thermodynamic stability) indicates that this missense variant is not expected to disrupt PTH1R protein function with a negative predictive value of 80%. In summary, the available evidence is currently insufficient to determine the role of this variant in disease. Therefore, it has been classified as a Variant of Uncertain Significance.

Literature cited by the submitters: PubMed 33536578.